The following is an entry in ClinVar:

NM_152594.3(SPRED1):c.423+5G>A

Gene: SPRED1 (sprouty related EVH1 domain containing 1; plus strand). Cytogenetic location: 15q14.
Variant type: single nucleotide variant.
Coding change: c.423+5G>A on transcript NM_152594.3 (MANE Select); 5 bases into the intron after coding-DNA position 423, G replaced by A.
Molecular consequence: intron variant.
Genome position (GRCh38, 1-based): chr15:38,324,814, G>A. VCF-style: chr15-38324814-G-A. GRCh37 (hg19) VCF-style: chr15-38617015-G-A.
Identifiers: ClinVar variation 1015670 (VCV001015670.7), dbSNP rs1895679388, ClinGen allele CA658761256.

ClinVar aggregate classification (germline): Uncertain significance (1 of 4 stars; one submission).

Conditions:
Legius syndrome. Identifiers: Orphanet 137605, MedGen C1969623, MONDO:0012669, OMIM 611431. Disease mechanism: loss of function.

Allele frequency attached by ClinVar (database versions not stated): TOPMed below 0.00001.

Submission:

Labcorp Genetics (formerly Invitae), Labcorp
Classification: Uncertain significance for Legius syndrome. Last evaluated: 2020-10-27. Review status: criteria provided, single submitter. Criteria: Invitae Variant Classification Sherloc (09022015). Collection method: clinical testing. Allele origin: germline.
Comment: This sequence change falls in intron 4 of the SPRED1 gene. It does not directly change the encoded amino acid sequence of the SPRED1 protein. It affects a nucleotide within the consensus splice site of the intron. This variant is not present in population databases (ExAC no frequency). This variant has not been reported in the literature in individuals with SPRED1-related conditions. Nucleotide substitutions within the consensus splice site are a relatively common cause of aberrant splicing (PMID: 17576681, 9536098). Algorithms developed to predict the effect of sequence changes on RNA splicing suggest that this variant may disrupt the consensus splice site, but this prediction has not been confirmed by published transcriptional studies. In summary, the available evidence is currently insufficient to determine the role of this variant in disease. Therefore, it has been classified as a Variant of Uncertain Significance.

Literature cited by the submitters: PubMed 17576681; PubMed 9536098.